The following is an entry in ClinVar:

NM_004370.6(COL12A1):c.5342A>G (p.Gln1781Arg)

Gene: COL12A1 (collagen type XII alpha 1 chain; minus strand). Cytogenetic location: 6q13.
Variant type: single nucleotide variant.
Coding change: c.5342A>G on transcript NM_004370.6 (MANE Select); coding-DNA position 5342, A replaced by G.
Protein change: p.Gln1781Arg; replaces glutamine 1781 with arginine.
Molecular consequence: missense variant.
Genome position (GRCh38, 1-based): chr6:75,137,489, T>C on the plus strand (A>G on the coding strand, the complement: COL12A1 is on the minus strand). VCF-style: chr6-75137489-T-C. GRCh37 (hg19) VCF-style: chr6-75847205-T-C.
Other names: c.5342A>G, p.Gln1781Arg (NM_001424113.1); c.5321A>G, p.Gln1774Arg (NM_001424114.1); c.5069A>G, p.Gln1690Arg (NM_001424115.1); c.1850A>G, p.Gln617Arg (NM_001424116.1, NM_080645.3); short protein forms Q1781R, Q617R, Q1690R, Q1774R.
Identifiers: ClinVar variation 2953877 (VCV002953877.4), dbSNP rs1404285487, ClinGen allele CA364737529.
Genomic context (GRCh38, chr6:75,137,489, plus strand): 5'-AAAATTACCGTTTGCTCATTGCCTTCCCCTGTGGAAGGCTGATAAGTGATCCTATATTTC[T>C]GCACACGACCACTAGCAGGATCCCACTTAACAGTCAGGCTGTTAGATGTTGCATTGTACA-3'
Protein context (NP_004361.3, residues 1771-1791): VKWDPASGRV[Gln1781Arg]KYRITYQPST

ClinVar aggregate classification (germline): Uncertain significance. Review status: criteria provided, multiple submitters, no conflicts (2 of 4 stars). 2 submissions from 2 submitters: Uncertain significance (2). Last evaluated 2026-05-26.

Conditions:
Bethlem myopathy 2 (BTHLM2). Identifiers: Orphanet 536516, Orphanet 610, MedGen C4225313, MONDO:0034022, OMIM 616471.
Ullrich congenital muscular dystrophy 2 (UCMD2). Identifiers: Orphanet 75840, MedGen C4225314, MONDO:0014654, OMIM 616470.

Allele frequency attached by ClinVar (database versions not stated): gnomAD exomes below 0.00001; gnomAD 0.00001.
gnomAD v4.1: 7 of 1,613,718 alleles (0.00043%); highest among the groups gnomAD compares: African/African-American, 0.0013%; no homozygotes.

Submissions (2):

Women's Health and Genetics/Laboratory Corporation of America, LabCorp
Classification: Uncertain significance. Last evaluated: 2026-05-26. Review status: criteria provided, single submitter. Criteria: LabCorp Variant Classification Summary - May 2015. Collection method: clinical testing. Allele origin: germline.
Comment: Variant summary: COL12A1 c.5342A>G (p.Gln1781Arg) results in a conservative amino acid change in the encoded protein sequence. Algorithms developed to predict the effect of missense changes on protein structure and function are either unavailable or do not agree on the potential impact of this missense change. The variant allele was found at a frequency of 4e-06 in 249004 control chromosomes. The available data on variant occurrences in the general population are insufficient to allow any conclusion about variant significance. To our knowledge, no occurrence of c.5342A>G in individuals affected with COL12A1-related conditions and no experimental evidence demonstrating its impact on protein function have been reported. ClinVar contains an entry for this variant (Variation ID: 2953877). Based on the evidence outlined above, the variant was classified as uncertain significance.

Labcorp Genetics (formerly Invitae), Labcorp
Classification: Uncertain significance for Bethlem myopathy 2; Ullrich congenital muscular dystrophy 2. Last evaluated: 2025-12-24. Review status: criteria provided, single submitter. Criteria: Invitae Variant Classification Sherloc (09022015). Collection method: clinical testing. Allele origin: germline.
Comment: This sequence change replaces glutamine, which is neutral and polar, with arginine, which is basic and polar, at codon 1781 of the COL12A1 protein (p.Gln1781Arg). This variant is present in population databases (no rsID available, gnomAD 0.0009%). This variant has not been reported in the literature in individuals affected with COL12A1-related conditions. ClinVar contains an entry for this variant (Variation ID: 2953877). Invitae Evidence Modeling of protein sequence and biophysical properties (such as structural, functional, and spatial information, amino acid conservation, physicochemical variation, residue mobility, and thermodynamic stability) indicates that this missense variant is not expected to disrupt COL12A1 protein function with a negative predictive value of 80%. In summary, the available evidence is currently insufficient to determine the role of this variant in disease. Therefore, it has been classified as a Variant of Uncertain Significance.